The following is an entry in ClinVar:

NM_000209.4(PDX1):c.390G>T (p.Trp130Cys)

Gene: PDX1 (pancreatic and duodenal homeobox 1; plus strand). Cytogenetic location: 13q12.2.
Variant type: single nucleotide variant.
Coding change: c.390G>T on transcript NM_000209.4 (MANE Select); coding-DNA position 390, G replaced by T.
Protein change: p.Trp130Cys; replaces tryptophan 130 with cysteine.
Molecular consequence: missense variant.
Genome position (GRCh38, 1-based): chr13:27,920,528, G>T. VCF-style: chr13-27920528-G-T. GRCh37 (hg19) VCF-style: chr13-28494665-G-T.
Other names: short protein forms W130C.
Identifiers: ClinVar variation 3575843 (VCV003575843.2).

ClinVar aggregate classification (germline): Uncertain significance. Review status: criteria provided, multiple submitters, no conflicts (2 of 4 stars). 2 submissions from 2 submitters: Uncertain significance (2). Last evaluated 2025-08-04.

Conditions:
Type 2 diabetes mellitus. Also called: Type II diabetes mellitus. Identifiers: MedGen C0011860, MeSH D003924, MONDO:0005148, OMIM 125853, HP:0005978.
Maturity-onset diabetes of the young type 4 (MODY4). Also called: Maturity-onset diabetes of the young, type IV; MODY, type IV. Identifiers: Orphanet 552, MedGen C1833382, MONDO:0011667, OMIM 606392.
Pancreatic agenesis 1 (PAGEN1). Also called: PANCREATIC HYPOPLASIA, CONGENITAL. Identifiers: Orphanet 2805, MedGen C3891828, MONDO:0024547, OMIM 260370.

gnomAD v4.1: 19 of 1,612,910 alleles (0.0012%); highest among the groups gnomAD compares: Admixed American, 0.0017%; no homozygotes.

Submissions (2):

Labcorp Genetics (formerly Invitae), Labcorp
Classification: Uncertain significance. Last evaluated: 2025-08-04. Review status: criteria provided, single submitter. Criteria: Invitae Variant Classification Sherloc (09022015). Collection method: clinical testing. Allele origin: germline.
Comment: This sequence change replaces tryptophan, which is neutral and slightly polar, with cysteine, which is neutral and slightly polar, at codon 130 of the PDX1 protein (p.Trp130Cys). This variant is present in population databases (no rsID available, gnomAD 0.004%). This variant has not been reported in the literature in individuals affected with PDX1-related conditions. ClinVar contains an entry for this variant (Variation ID: 3575843). Invitae Evidence Modeling of protein sequence and biophysical properties (such as structural, functional, and spatial information, amino acid conservation, physicochemical variation, residue mobility, and thermodynamic stability) indicates that this missense variant is not expected to disrupt PDX1 protein function with a negative predictive value of 80%. In summary, the available evidence is currently insufficient to determine the role of this variant in disease. Therefore, it has been classified as a Variant of Uncertain Significance.

Fulgent Genetics
Classification: Uncertain significance for Type 2 diabetes mellitus; Pancreatic agenesis 1; Maturity-onset diabetes of the young type 4. Last evaluated: 2024-02-23. Review status: criteria provided, single submitter. Criteria: ACMG Guidelines, 2015. Collection method: clinical testing. Allele origin: germline.